The following is an entry in ClinVar:

ClinVar aggregate classification (germline): Benign/Likely benign. Review status: criteria provided, multiple submitters, no conflicts (2 of 4 stars). 6 submissions from 6 submitters: Benign (2); Likely benign (4). Last evaluated 2026-09-01.

Allele frequency attached by ClinVar (database versions not stated): ESP Exome Variant Server 0.00077; gnomAD 0.00142 and 0.00153; TOPMed 0.00173; gnomAD exomes 0.00178 and 0.00263; 1000 Genomes Project 30x 0.00187; 1000 Genomes Project 0.00200; ExAC 0.00219.
gnomAD v4.1: 2,801 of 1,607,776 alleles (0.17%); highest among the groups gnomAD compares: Admixed American, 0.94%; 12 homozygotes.

Submissions (6):

CeGaT Center for Human Genetics Tuebingen
Classification: Likely benign. Last evaluated: 2026-09-01. Review status: criteria provided, single submitter. Criteria: CeGaT Center For Human Genetics Tuebingen Variant Classification Criteria Version 2. Collection method: clinical testing. Allele origin: germline. Affected: yes. Observed: 7 variant alleles.
Comment: PPA2: BP4, BP7

Labcorp Genetics (formerly Invitae), Labcorp
Classification: Benign. Last evaluated: 2026-01-21. Review status: criteria provided, single submitter. Criteria: Invitae Variant Classification Sherloc (09022015). Collection method: clinical testing. Allele origin: germline.

Blueprint Genetics
Classification: Likely benign. Last evaluated: 2024-10-22. Review status: criteria provided, single submitter. Criteria: ACMG Guidelines, 2015. Collection method: clinical testing. Allele origin: germline.

Mayo Clinic Laboratories, Mayo Clinic
Classification: Benign. Last evaluated: 2023-06-16. Review status: criteria provided, single submitter. Criteria: ACMG Guidelines, 2015. Collection method: clinical testing. Allele origin: germline. Observed: 5 variant alleles.
Comment: BS1, BS2, BP4, BP7

GeneDx
Classification: Likely benign. Last evaluated: 2021-05-27. Review status: criteria provided, single submitter. Criteria: GeneDx Variant Classification Process June 2021. Collection method: clinical testing. Allele origin: germline. Affected: yes.

Breakthrough Genomics
Classification: Likely benign. Review status: criteria provided, single submitter. Criteria: ACMG Guidelines, 2015. Collection method: not provided. Allele origin: germline. Inheritance: Autosomal recessive inheritance. Affected: yes.

NM_176869.3(PPA2):c.180T>C (p.Ile60=)

Gene: PPA2 (inorganic pyrophosphatase 2; minus strand). Cytogenetic location: 4q24.
Variant type: single nucleotide variant.
Coding change: c.180T>C on transcript NM_176869.3 (MANE Select); coding-DNA position 180, T replaced by C.
Protein change: p.Ile60=; no amino-acid change (isoleucine 60 retained).
Molecular consequence: synonymous variant. On other transcripts: intron variant (1).
Genome position (GRCh38, 1-based): chr4:105,456,723, A>G on the plus strand (T>C on the coding strand, the complement: PPA2 is on the minus strand). VCF-style: chr4-105456723-A-G. GRCh37 (hg19) VCF-style: chr4-106377880-A-G.
Other names: p.Ile60=; c.180T>C, p.Ile60= (NM_006903.4, NM_176866.2); c.157+17171T>C (NM_176867.3).
Identifiers: ClinVar variation 782247 (VCV000782247.36), dbSNP rs140134079, ClinGen allele CA3032691.